The following is an entry in ClinVar:

NM_000428.3(LTBP2):c.2152+4A>G

Gene: LTBP2 (latent transforming growth factor beta binding protein 2; minus strand). Cytogenetic location: 14q24.3.
Variant type: single nucleotide variant.
Coding change: c.2152+4A>G on transcript NM_000428.3 (MANE Select); 4 bases into the intron after coding-DNA position 2152, A replaced by G.
Molecular consequence: intron variant.
Genome position (GRCh38, 1-based): chr14:74,528,954, T>C on the plus strand (A>G on the coding strand, the complement: LTBP2 is on the minus strand). VCF-style: chr14-74528954-T-C. GRCh37 (hg19) VCF-style: chr14-74995657-T-C.
Identifiers: ClinVar variation 3365867 (VCV003365867.1).

ClinVar aggregate classification (germline): Uncertain significance (1 of 4 stars; one submission).

gnomAD v4.1: 10 of 1,610,960 alleles (0.00062%); highest among the groups gnomAD compares: Non-Finnish European, 0.00085%; no homozygotes.

Submission:

GeneDx
Classification: Uncertain significance. Last evaluated: 2023-12-21. Review status: criteria provided, single submitter. Criteria: GeneDx Variant Classification Process June 2021. Collection method: clinical testing. Allele origin: germline. Affected: yes.
Comment: Not observed at significant frequency in large population cohorts (gnomAD); Has not been previously published as pathogenic or benign to our knowledge; In silico analysis is inconclusive as to whether the variant alters gene splicing. In the absence of RNA/functional studies, the actual effect of this sequence change is unknown.